The following is an entry in ClinVar:

NM_001372044.2(SHANK3):c.4600G>A (p.Gly1534Arg)

Gene: SHANK3 (SH3 and multiple ankyrin repeat domains 3; plus strand). Cytogenetic location: 22q13.33.
Variant type: single nucleotide variant.
Coding change: c.4600G>A on transcript NM_001372044.2 (MANE Select); coding-DNA position 4600, G replaced by A.
Protein change: p.Gly1534Arg; replaces glycine 1534 with arginine.
Molecular consequence: missense variant.
Genome position (GRCh38, 1-based): chr22:50,722,208, G>A. VCF-style: chr22-50722208-G-A. GRCh37 (hg19) VCF-style: chr22-51160636-G-A.
Other names: chr22:51160636G>A; short protein forms G1534R.
Identifiers: ClinVar variation 809396 (VCV000809396.45), dbSNP rs1440735830, ClinGen allele CA515264769.
Genomic context (GRCh38, chr22:50,722,208, plus strand): 5'-GACAGCGAGCTCATGGCCCAGCAGCACCACGCCGCCTCTGCCGGGCTGGCCTCTGCCGCC[G>A]GGCCTGCCCGCCCTCGCTACCTCTTCCAGAGAAGGTCCAAGCTATGGGGGGACCCCGTGG-3'
Protein context (NP_001358973.1, residues 1524-1544): AASAGLASAA[Gly1534Arg]PARPRYLFQR

ClinVar aggregate classification (germline): Conflicting classifications of pathogenicity. Review status: criteria provided, conflicting classifications (1 of 4 stars). 2 submissions from 2 submitters: Uncertain significance (1); Likely benign (1). Last evaluated 2023-01-10.

Conditions:
Phelan-McDermid syndrome. Also called: Phelan-McDermid Syndrome-SHANK3 Related; TELOMERIC 22q13 MONOSOMY SYNDROME; 22q13.3 deletion syndrome. Identifiers: Orphanet 48652, MedGen C1853490, MONDO:0011652, OMIM 606232.

Allele frequency attached by ClinVar (database versions not stated): gnomAD 0.00001; TOPMed 0.00002.

Submissions (2):

Laboratory of Functional Genomics, Research Centre for Medical Genetics
Classification: Uncertain significance for Phelan-McDermid syndrome. Last evaluated: 2023-01-10. Review status: criteria provided, single submitter. Criteria: ACMG Guidelines, 2015. Collection method: clinical testing. Allele origin: paternal, unknown. Inheritance: Autosomal dominant inheritance. Affected: yes and no. Observed: 2 heterozygotes.
Comment: Heterozygous missense variant NM_001372044.2 (SHANK3):c.4600G>A was found by WGS. According to ACMG, the variant meets the criteria PM2, PP2, BS4 and is concidered as a variant of uncertain significance.

CeGaT Center for Human Genetics Tuebingen
Classification: Likely benign. Last evaluated: 2019-11-01. Review status: criteria provided, single submitter. Criteria: CeGaT Center For Human Genetics Tuebingen Variant Classification Criteria Version 2. Collection method: clinical testing. Allele origin: germline. Affected: yes. Observed: 1 variant allele.